The following is an entry in ClinVar:

ClinVar aggregate classification (germline): Uncertain significance. Review status: criteria provided, multiple submitters, no conflicts (2 of 4 stars). 2 submissions from 2 submitters: Uncertain significance (2). Last evaluated 2023-10-10.

Conditions:
Generalized epilepsy with febrile seizures plus, type 7 (GEFSP7). Also called: GEFS+, TYPE 7. Identifiers: Orphanet 36387, MedGen C2751778, MONDO:0013470, OMIM 613863.
Neuropathy, hereditary sensory and autonomic, type 2A (HSAN2A). Also called: ACROOSTEOLYSIS, GIACCAI TYPE; ACROOSTEOLYSIS, NEUROGENIC; MORVAN DISEASE; NEUROPATHY, CONGENITAL SENSORY; NEUROPATHY, HEREDITARY SENSORY RADICULAR, AUTOSOMAL RECESSIVE; NEUROPATHY, HEREDITARY SENSORY, TYPE IIA. Identifiers: Orphanet 970, MedGen C2752089, MONDO:0024309, OMIM 201300.

Allele frequency attached by ClinVar (database versions not stated): gnomAD exomes below 0.00001; gnomAD 0.00001.

Submissions (2):

Labcorp Genetics (formerly Invitae), Labcorp
Classification: Uncertain significance for Neuropathy, hereditary sensory and autonomic, type 2A; Generalized epilepsy with febrile seizures plus, type 7. Last evaluated: 2023-10-10. Review status: criteria provided, single submitter. Criteria: Invitae Variant Classification Sherloc (09022015). Collection method: clinical testing. Allele origin: germline.
Comment: This sequence change replaces methionine, which is neutral and non-polar, with threonine, which is neutral and polar, at codon 1522 of the SCN9A protein (p.Met1522Thr). This variant is present in population databases (no rsID available, gnomAD 0.007%). This variant has not been reported in the literature in individuals affected with SCN9A-related conditions. ClinVar contains an entry for this variant (Variation ID: 1478892). Advanced modeling of protein sequence and biophysical properties (such as structural, functional, and spatial information, amino acid conservation, physicochemical variation, residue mobility, and thermodynamic stability) performed at Invitae indicates that this missense variant is not expected to disrupt SCN9A protein function. In summary, the available evidence is currently insufficient to determine the role of this variant in disease. Therefore, it has been classified as a Variant of Uncertain Significance.

Blueprint Genetics
Classification: Uncertain significance. Last evaluated: 2022-09-13. Review status: criteria provided, single submitter. Criteria: ACMG Guidelines, 2015. Collection method: clinical testing. Allele origin: germline.

NM_001365536.1(SCN9A):c.4598T>C (p.Met1533Thr)

Genes: SCN1A-AS1 (SCN1A and SCN9A antisense RNA 1; plus strand), SCN9A (sodium voltage-gated channel alpha subunit 9; minus strand). Cytogenetic location: 2q24.3.
Variant type: single nucleotide variant.
Coding change: c.4598T>C on transcript NM_001365536.1 (MANE Select); coding-DNA position 4598, T replaced by C.
Protein change: p.Met1533Thr; replaces methionine 1533 with threonine.
Molecular consequence: missense variant.
Genome position (GRCh38, 1-based): chr2:166,204,131, A>G on the plus strand (T>C on the coding strand, the complement: SCN9A is on the minus strand). VCF-style: chr2-166204131-A-G. GRCh37 (hg19) VCF-style: chr2-167060641-A-G.
Other names: c.4565T>C, p.Met1522Thr (NM_002977.4); short protein forms M1533T, M1522T.
Identifiers: ClinVar variation 1478892 (VCV001478892.7), dbSNP rs1201035224, ClinGen allele CA349057753.